The following is an entry in ClinVar:

NM_002047.4(GARS1):c.-1C>A

Gene: GARS1 (glycyl-tRNA synthetase 1; plus strand). Cytogenetic location: 7p14.3.
Variant type: single nucleotide variant.
Coding change: c.-1C>A on transcript NM_002047.4 (MANE Select); 1 bases upstream of the start codon, C replaced by A.
Molecular consequence: 5 prime UTR variant.
Genome position (GRCh38, 1-based): chr7:30,594,921, C>A. VCF-style: chr7-30594921-C-A. GRCh37 (hg19) VCF-style: chr7-30634537-C-A.
Other names: c.-163C>A (NM_001316772.1).
Identifiers: ClinVar variation 1316195 (VCV001316195.2), dbSNP rs1257498883, ClinGen allele CA1099842597.

ClinVar aggregate classification (germline): Uncertain significance (1 of 4 stars; one submission).

Allele frequency attached by ClinVar (database versions not stated): TOPMed below 0.00001; gnomAD 0.00001.
gnomAD v4.1: 4 of 1,579,946 alleles (0.00025%); highest among the groups gnomAD compares: Non-Finnish European, 0.00034%; no homozygotes.

Submission:

GeneDx
Classification: Uncertain significance. Last evaluated: 2019-08-21. Review status: criteria provided, single submitter. Criteria: GeneDx Variant Classification Process June 2021. Collection method: clinical testing. Allele origin: germline. Affected: yes.
Comment: Not observed in large population cohorts (Lek et al., 2016); Nucleotide substitution has no predicted effect on splicing and is not conserved across species; Has not been previously published as pathogenic or benign to our knowledge